The following is an entry in ClinVar:

NM_025243.4(SLC19A3):c.1403del (p.Lys468fs)

Gene: SLC19A3 (solute carrier family 19 member 3; minus strand). Cytogenetic location: 2q36.3.
Variant type: Deletion.
Coding change: c.1403del on transcript NM_025243.4 (MANE Select); coding-DNA position 1403, one base deleted (A; older notation c.1403delA).
Protein change: p.Lys468fs; shifts the reading frame from lysine 468.
Molecular consequence: frameshift variant.
Genome position (GRCh38, 1-based): chr2:227,687,485, T deleted on the plus strand (A on the coding strand, the reverse complement: SLC19A3 is on the minus strand); the first of 2 consecutive T bases (chr2:227,687,485-227,687,486); deleting either gives the same sequence. VCF-style (leftmost placement, unchanged base first): chr2-227687484-CT-C. GRCh37 (hg19) VCF-style: chr2-228552200-CT-C.
Other names: c.1403del, p.Lys468fs (NM_001371411.1, NM_001371412.1); c.1391del, p.Lys464fs (NM_001371413.1, NM_001371414.1); short protein forms K464fs, K468fs.
Identifiers: ClinVar variation 2732790 (VCV002732790.3), dbSNP rs2470552983, ClinGen allele CA913184739.

ClinVar aggregate classification (germline): Likely pathogenic (1 of 4 stars; one submission).

Conditions:
Biotin-responsive basal ganglia disease (BTBGD). Also called: Thiamine metabolism dysfunction syndrome 2 (biotin- or thiamine-responsive encephalopathy type 2); thiamine-responsive encephalopathy; Thiamine Transporter-2 Deficiency; Thiamine metabolism dysfunction syndrome type 2; THIAMINE METABOLISM DYSFUNCTION SYNDROME 2 (BIOTIN- AND THIAMINE-RESPONSIVE TYPE). Identifiers: Orphanet 199348, Orphanet 65284, MedGen C1843807, MONDO:0011841, OMIM 607483.

Submission:

Labcorp Genetics (formerly Invitae), Labcorp
Classification: Likely pathogenic for Biotin-responsive basal ganglia disease. Last evaluated: 2023-06-29. Review status: criteria provided, single submitter. Criteria: Invitae Variant Classification Sherloc (09022015). Collection method: clinical testing. Allele origin: germline.
Comment: In summary, the currently available evidence indicates that the variant is pathogenic, but additional data are needed to prove that conclusively. Therefore, this variant has been classified as Likely Pathogenic. This frameshift has been observed in individual(s) with biotin-responsive basal ganglia disease (PMID: 26975589). In at least one individual the data is consistent with being in trans (on the opposite chromosome) from a pathogenic variant. It has also been observed to segregate with disease in related individuals. This variant is not present in population databases (gnomAD no frequency). This sequence change results in a frameshift in the SLC19A3 gene (p.Lys468Argfs*45). While this is not anticipated to result in nonsense mediated decay, it is expected to disrupt the last 29 amino acid(s) of the SLC19A3 protein and extend the protein by 15 additional amino acid residues.

Literature cited by the submitters: PubMed 26975589.